The following is an entry in ClinVar:

NM_021625.5(TRPV4):c.2564G>C (p.Gly855Ala)

Gene: TRPV4 (transient receptor potential cation channel subfamily V member 4; minus strand). Cytogenetic location: 12q24.11.
Variant type: single nucleotide variant.
Coding change: c.2564G>C on transcript NM_021625.5 (MANE Select); coding-DNA position 2564, G replaced by C.
Protein change: p.Gly855Ala; replaces glycine 855 with alanine.
Molecular consequence: missense variant.
Genome position (GRCh38, 1-based): chr12:109,783,673, C>G on the plus strand (G>C on the coding strand, the complement: TRPV4 is on the minus strand). VCF-style: chr12-109783673-C-G. GRCh37 (hg19) VCF-style: chr12-110221478-C-G.
Other names: c.2423G>C, p.Gly808Ala (NM_001177428.2); c.2462G>C, p.Gly821Ala (NM_001177431.2); c.2243G>C, p.Gly748Ala (NM_001177433.2); c.2384G>C, p.Gly795Ala (NM_147204.3); short protein forms G795A, G821A, G855A, G748A, G808A.
Identifiers: ClinVar variation 2764108 (VCV002764108.3), dbSNP rs2548706500, ClinGen allele CA386648394.

ClinVar aggregate classification (germline): Uncertain significance (1 of 4 stars; one submission).

Conditions:
Charcot-Marie-Tooth disease axonal type 2C (HMSN2C). Also called: Charcot-Marie-Tooth Disease Type 2, TRPV4-Related (CMT2C); CHARCOT-MARIE-TOOTH DISEASE, AXONAL, AUTOSOMAL DOMINANT, TYPE 2C; Charcot-Marie-Tooth Neuropathy Type 2C. Identifiers: Orphanet 99937, MedGen C1853710, MONDO:0011633, OMIM 606071.

Submission:

Labcorp Genetics (formerly Invitae), Labcorp
Classification: Uncertain significance for Charcot-Marie-Tooth disease axonal type 2C. Last evaluated: 2023-11-16. Review status: criteria provided, single submitter. Criteria: Invitae Variant Classification Sherloc (09022015). Collection method: clinical testing. Allele origin: germline.
Comment: This sequence change replaces glycine, which is neutral and non-polar, with alanine, which is neutral and non-polar, at codon 855 of the TRPV4 protein (p.Gly855Ala). This variant is not present in population databases (gnomAD no frequency). This variant has not been reported in the literature in individuals affected with TRPV4-related conditions. Advanced modeling of protein sequence and biophysical properties (such as structural, functional, and spatial information, amino acid conservation, physicochemical variation, residue mobility, and thermodynamic stability) performed at Invitae indicates that this missense variant is not expected to disrupt TRPV4 protein function with a negative predictive value of 95%. In summary, the available evidence is currently insufficient to determine the role of this variant in disease. Therefore, it has been classified as a Variant of Uncertain Significance.